The following is an entry in ClinVar:

ClinVar aggregate classification (germline): Benign/Likely benign. Review status: criteria provided, multiple submitters, no conflicts (2 of 4 stars). 3 submissions from 3 submitters: Benign (1); Likely benign (2). Last evaluated 2025-02-27.

Conditions:
Multiple endocrine neoplasia, type 2 (MEN2). Identifiers: Orphanet 653, MedGen C4048306, MONDO:0019003. Disease mechanism: gain of function.
Hereditary cancer-predisposing syndrome. Also called: Neoplastic Syndromes, Hereditary; Tumor predisposition; Hereditary neoplastic syndrome; Hereditary Cancer Syndrome. Identifiers: Orphanet 140162, MedGen C0027672, MeSH D009386, MONDO:0015356.
Multiple endocrine neoplasia type 2A. Also called: Multiple Endocrine Neoplasia Type 2A (MEN2A); MULTIPLE ENDOCRINE NEOPLASIA, TYPE IIA; PTC SYNDROME; SIPPLE SYNDROME; MEN 2A; MEN-2A syndrome. Identifiers: Orphanet 247698, Orphanet 653, MedGen C0025268, MeSH D018813, MONDO:0008234, OMIM 171400.

gnomAD v4.1: 1 of 1,613,810 alleles (0.000062%); highest among the groups gnomAD compares: Admixed American, 0.0017%; no homozygotes.

Submissions (3):

Myriad Genetics, Inc.
Classification: Benign for Multiple endocrine neoplasia type 2A. Last evaluated: 2025-02-27. Review status: criteria provided, single submitter. Criteria: Myriad Autosomal Dominant, Autosomal Recessive and X-Linked Classification Criteria (2023). Collection method: clinical testing. Allele origin: unknown.
Comment: This variant is considered benign. This variant is a silent/synonymous amino acid change and it is not expected to impact splicing.

Labcorp Genetics (formerly Invitae), Labcorp
Classification: Likely benign for Multiple endocrine neoplasia, type 2. Last evaluated: 2024-09-15. Review status: criteria provided, single submitter. Criteria: Invitae Variant Classification Sherloc (09022015). Collection method: clinical testing. Allele origin: germline.

Ambry Genetics
Classification: Likely benign for Hereditary cancer-predisposing syndrome. Last evaluated: 2024-05-04. Review status: criteria provided, single submitter. Criteria: Ambry Variant Classification Scheme 2023. Collection method: clinical testing. Allele origin: germline.

NM_020975.6(RET):c.2760T>C (p.Ile920=)

Gene: RET (ret proto-oncogene; plus strand). Cytogenetic location: 10q11.21.
Variant type: single nucleotide variant.
Coding change: c.2760T>C on transcript NM_020975.6 (MANE Select); coding-DNA position 2760, T replaced by C.
Protein change: p.Ile920=; no amino-acid change (isoleucine 920 retained).
Molecular consequence: synonymous variant.
Genome position (GRCh38, 1-based): chr10:43,121,975, T>C. VCF-style: chr10-43121975-T-C. GRCh37 (hg19) VCF-style: chr10-43617423-T-C.
Other names: c.1998T>C, p.Ile666= (NM_001355216.2); c.2760T>C, p.Ile920= (NM_001406743.1, NM_001406744.1, NM_001406759.1 and 2 more transcripts); c.2631T>C, p.Ile877= (NM_001406761.1, NM_001406762.1, NM_001406764.1); c.2625T>C, p.Ile875= (NM_001406763.1, NM_001406765.1); c.2472T>C, p.Ile824= (NM_001406766.1, NM_001406767.1, NM_001406770.1); c.2496T>C, p.Ile832= (NM_001406768.1); c.2364T>C, p.Ile788= (NM_001406769.1, NM_001406772.1); c.2322T>C, p.Ile774= (NM_001406771.1, NM_001406773.1); and 10 more.
Identifiers: ClinVar variation 3313688 (VCV003313688.4).